The following is an entry in ClinVar:

ClinVar aggregate classification (germline): Pathogenic (1 of 4 stars; one submission).

Submission:

Labcorp Genetics (formerly Invitae), Labcorp
Classification: Pathogenic. Last evaluated: 2023-12-31. Review status: criteria provided, single submitter. Criteria: Invitae Variant Classification Sherloc (09022015). Collection method: clinical testing. Allele origin: germline.
Comment: This sequence change creates a premature translational stop signal (p.Asn26Lysfs*57) in the ERCC6 gene. It is expected to result in an absent or disrupted protein product. Loss-of-function variants in ERCC6 are known to be pathogenic (PMID: 18628313, 29572252). This variant is present in population databases (no rsID available, gnomAD 0.006%). This variant has not been reported in the literature in individuals affected with ERCC6-related conditions. For these reasons, this variant has been classified as Pathogenic.

Literature cited by the submitters: PubMed 18628313; PubMed 29572252.

NM_000124.4(ERCC6):c.78_81del (p.Asn26fs)

Gene: ERCC6 (ERCC excision repair 6, chromatin remodeling factor; minus strand). Cytogenetic location: 10q11.23.
Variant type: Deletion.
Coding change: c.78_81del on transcript NM_000124.4 (MANE Select); coding-DNA positions 78 to 81, 4 bases deleted (TGAA; older notation c.78_81delTGAA).
Protein change: p.Asn26fs; shifts the reading frame from asparagine 26.
Molecular consequence: frameshift variant.
Genome position (GRCh38, 1-based): chr10:49,532,884-49,532,887, TTCA deleted on the plus strand (TGAA on the coding strand, the reverse complement: ERCC6 is on the minus strand); deleting any 4 consecutive bases within chr10:49,532,884-49,532,889 gives the same sequence; the c. name uses the placement nearest the transcript's 3' end. VCF-style (leftmost placement, unchanged base first): chr10-49532883-CTTCA-C. GRCh37 (hg19) VCF-style: chr10-50740929-CTTCA-C.
Other names: c.78_81del, p.Asn26fs (NM_001277058.2, NM_001277059.2, NM_001346440.2); short protein forms N26fs.
Identifiers: ClinVar variation 2706837 (VCV002706837.3), dbSNP rs1228394826, ClinGen allele CA593780654.